The following is an entry in ClinVar:

ClinVar aggregate classification (germline): Uncertain significance. Review status: criteria provided, multiple submitters, no conflicts (2 of 4 stars). 2 submissions from 2 submitters: Uncertain significance (2). Last evaluated 2025-01-15.

Allele frequency attached by ClinVar (database versions not stated): gnomAD exomes 0.00008 and 0.00015; TOPMed 0.00009; gnomAD 0.00013 and 0.00014; ExAC 0.00033.
gnomAD v4.1: 140 of 1,549,974 alleles (0.009%); highest among the groups gnomAD compares: Non-Finnish European, 0.0065%; no homozygotes.

Submissions (2):

Labcorp Genetics (formerly Invitae), Labcorp
Classification: Uncertain significance. Last evaluated: 2025-01-15. Review status: criteria provided, single submitter. Criteria: Invitae Variant Classification Sherloc (09022015). Collection method: clinical testing. Allele origin: germline.
Comment: This sequence change replaces leucine, which is neutral and non-polar, with valine, which is neutral and non-polar, at codon 91 of the LAMC3 protein (p.Leu91Val). This variant is present in population databases (rs558248554, gnomAD 0.2%). This variant has not been reported in the literature in individuals affected with LAMC3-related conditions. ClinVar contains an entry for this variant (Variation ID: 1354553). An algorithm developed to predict the effect of missense changes on protein structure and function (PolyPhen-2) suggests that this variant is likely to be disruptive. In summary, the available evidence is currently insufficient to determine the role of this variant in disease. Therefore, it has been classified as a Variant of Uncertain Significance.

Blueprint Genetics
Classification: Uncertain significance. Last evaluated: 2024-08-12. Review status: criteria provided, single submitter. Criteria: ACMG Guidelines, 2015. Collection method: clinical testing. Allele origin: germline.

NM_006059.4(LAMC3):c.271C>G (p.Leu91Val)

Gene: LAMC3 (laminin subunit gamma 3; plus strand). Cytogenetic location: 9q34.12.
Variant type: single nucleotide variant.
Coding change: c.271C>G on transcript NM_006059.4 (MANE Select); coding-DNA position 271, C replaced by G.
Protein change: p.Leu91Val; replaces leucine 91 with valine.
Molecular consequence: missense variant.
Genome position (GRCh38, 1-based): chr9:131,009,485, C>G. VCF-style: chr9-131009485-C-G. GRCh37 (hg19) VCF-style: chr9-133884872-C-G.
Other names: short protein forms L91V.
Identifiers: ClinVar variation 1354553 (VCV001354553.5), dbSNP rs558248554, ClinGen allele CA5286644.
Genomic context (GRCh38, chr9:131,009,485, plus strand): 5'-GGGGCTCATTGCCAGCGCTGCGACGCCGCCGACCCCCAGCGCCACCACAACGCCTCCTAC[C>G]TCACCGACTTCCACAGCCAGGACGAGAGCACCTGGTGGCAGAGCCCGTCCATGGCCTTCG-3'
Protein context (NP_006050.3, residues 81-101): DPQRHHNASY[Leu91Val]TDFHSQDEST